The following is an entry in ClinVar:

NM_173076.3(ABCA12):c.5951T>C (p.Leu1984Ser)

Genes: ABCA12 (ATP binding cassette subfamily A member 12; minus strand), SNHG31 (small nucleolar RNA host gene 31; plus strand). Cytogenetic location: 2q35.
Variant type: single nucleotide variant.
Coding change: c.5951T>C on transcript NM_173076.3 (MANE Select); coding-DNA position 5951, T replaced by C.
Protein change: p.Leu1984Ser; replaces leucine 1984 with serine.
Molecular consequence: missense variant. On other transcripts: non-coding transcript variant (1).
Genome position (GRCh38, 1-based): chr2:214,958,443, A>G on the plus strand (T>C on the coding strand, the complement: ABCA12 is on the minus strand). VCF-style: chr2-214958443-A-G. GRCh37 (hg19) VCF-style: chr2-215823167-A-G.
Other names: c.4997T>C, p.Leu1666Ser (NM_015657.4); short protein forms L1666S, L1984S.
Identifiers: ClinVar variation 2797623 (VCV002797623.3), dbSNP rs2469169233, ClinGen allele CA350449861.

ClinVar aggregate classification (germline): Uncertain significance (1 of 4 stars; one submission).

Submission:

Labcorp Genetics (formerly Invitae), Labcorp
Classification: Uncertain significance. Last evaluated: 2023-03-30. Review status: criteria provided, single submitter. Criteria: Invitae Variant Classification Sherloc (09022015). Collection method: clinical testing. Allele origin: germline.
Comment: In summary, the available evidence is currently insufficient to determine the role of this variant in disease. Therefore, it has been classified as a Variant of Uncertain Significance. Advanced modeling of protein sequence and biophysical properties (such as structural, functional, and spatial information, amino acid conservation, physicochemical variation, residue mobility, and thermodynamic stability) performed at Invitae indicates that this missense variant is not expected to disrupt ABCA12 protein function. This missense change has been observed in individual(s) with congenital ichthyosis (Invitae). This sequence change replaces leucine, which is neutral and non-polar, with serine, which is neutral and polar, at codon 1984 of the ABCA12 protein (p.Leu1984Ser). This variant is not present in population databases (gnomAD no frequency).